The following is an entry in ClinVar:

ClinVar aggregate classification (germline): Conflicting classifications of pathogenicity. Review status: criteria provided, conflicting classifications (1 of 4 stars). 3 submissions from 3 submitters: Uncertain significance (2); Likely benign (1). Last evaluated 2026-01-20.

Conditions:
Polycystic kidney disease 4 (PKD4). Also called: PKD3; POLYCYSTIC KIDNEY AND HEPATIC DISEASE 1; POLYCYSTIC KIDNEY DISEASE, INFANTILE, TYPE I; Autosomal Recessive Polycystic Kidney Disease – PKHD1; POLYCYSTIC KIDNEY DISEASE 4 WITH OR WITHOUT POLYCYSTIC LIVER DISEASE. Identifiers: MedGen C4540575, MONDO:0033004, OMIM 263200.
Autosomal recessive polycystic kidney disease (ARPKD). Also called: AR polycystic kidney disease. Identifiers: Orphanet 731, Orphanet 8378, MedGen C0085548, MeSH D017044, MONDO:0009889.

Allele frequency attached by ClinVar (database versions not stated): TOPMed below 0.00001; gnomAD 0.00001 and 0.00003; gnomAD exomes 0.00001 and 0.00008; ExAC 0.00003; 1000 Genomes Project 30x 0.00047; 1000 Genomes Project 0.00060.
gnomAD v4.1: 25 of 1,613,412 alleles (0.0015%); highest among the groups gnomAD compares: East Asian, 0.053%; no homozygotes.

Submissions (3):

Labcorp Genetics (formerly Invitae), Labcorp
Classification: Likely benign for Autosomal recessive polycystic kidney disease. Last evaluated: 2026-01-20. Review status: criteria provided, single submitter. Criteria: Invitae Variant Classification Sherloc (09022015). Collection method: clinical testing. Allele origin: germline.

Fulgent Genetics
Classification: Uncertain significance for Polycystic kidney disease 4. Last evaluated: 2024-02-29. Review status: criteria provided, single submitter. Criteria: ACMG Guidelines, 2015. Collection method: clinical testing. Allele origin: germline.

GeneDx
Classification: Uncertain significance. Last evaluated: 2020-07-06. Review status: criteria provided, single submitter. Criteria: GeneDx Variant Classification Process June 2021. Collection method: clinical testing. Allele origin: germline. Affected: yes.
Comment: In silico analysis supports that this missense variant does not alter protein structure/function; Has not been previously published as pathogenic or benign to our knowledge

NM_138694.4(PKHD1):c.7658A>G (p.Asn2553Ser)

Gene: PKHD1 (PKHD1 ciliary IPT domain containing fibrocystin/polyductin; minus strand). Cytogenetic location: 6p12.2.
Variant type: single nucleotide variant.
Coding change: c.7658A>G on transcript NM_138694.4 (MANE Select); coding-DNA position 7658, A replaced by G.
Protein change: p.Asn2553Ser; replaces asparagine 2553 with serine.
Molecular consequence: missense variant.
Genome position (GRCh38, 1-based): chr6:51,867,938, T>C on the plus strand (A>G on the coding strand, the complement: PKHD1 is on the minus strand). VCF-style: chr6-51867938-T-C. GRCh37 (hg19) VCF-style: chr6-51732736-T-C.
Other names: c.7658A>G, p.Asn2553Ser (NM_170724.3); short protein forms N2553S.
Identifiers: ClinVar variation 1312951 (VCV001312951.10), dbSNP rs576001667, ClinGen allele CA3851880.
Genomic context (GRCh38, chr6:51,867,938, plus strand): 5'-CGATGAAAAAGAACACCTCCTCCACAGGCACTGCCATGGACAACCCGACCAAAGCTTGAA[T>C]TGACCAAACAAGAAGCTGAAAGGGTTTCCATAGAAGCAAGAATGTGACTTCTGTTTTTCC-3'
Protein context (NP_619639.3, residues 2543-2563): METLSASCLV[Asn2553Ser]SSFGRVVHGS